The following is an entry in ClinVar:

ClinVar aggregate classification (germline): Uncertain significance (1 of 4 stars; one submission).

gnomAD v4.1: 1 of 1,612,744 alleles (0.000062%); highest among the groups gnomAD compares: Non-Finnish European, 0.000085%; no homozygotes.

Submission:

Ambry Genetics
Classification: Uncertain significance. Last evaluated: 2026-08-09. Review status: criteria provided, single submitter. Criteria: Ambry Variant Classification Scheme 2023. Collection method: clinical testing. Allele origin: germline.
Comment: The p.P803H variant (also known as c.2408C>A), located in coding exon 11 of the WNK2 gene, results from a C to A substitution at nucleotide position 2408. The proline at codon 803 is replaced by histidine, an amino acid with similar properties. This amino acid position is conserved. In addition, the in silico prediction for this alteration is inconclusive. Based on the available evidence, the clinical significance of this variant remains unclear.

NM_006648.4(WNK2):c.2408C>A (p.Pro803His)

Gene: WNK2 (WNK lysine deficient protein kinase 2; plus strand). Cytogenetic location: 9q22.31.
Variant type: single nucleotide variant.
Coding change: c.2408C>A on transcript NM_006648.4 (MANE Select); coding-DNA position 2408, C replaced by A.
Protein change: p.Pro803His; replaces proline 803 with histidine.
Molecular consequence: missense variant.
Genome position (GRCh38, 1-based): chr9:93,258,956, C>A. VCF-style: chr9-93258956-C-A. GRCh37 (hg19) VCF-style: chr9-96021238-C-A.
Other names: c.2408C>A, p.Pro803His (NM_001282394.3); short protein forms P803H.
Identifiers: ClinVar variation 5031918 (VCV005031918.1).
Genomic context (GRCh38, chr9:93,258,956, plus strand): 5'-GGGCCCACACTGACACACTCCTGTGTCTCTTTCAGATGCCCCCGATTCCTGTTGTGCCCC[C>A]CATCACGCCCCTGGCGGGAATCGACGGCCTCCCTCCGGCCCTCCCAGACCTGCCGACCGC-3'
Protein context (NP_006639.3, residues 793-813): PQMPPIPVVP[Pro803His]ITPLAGIDGL